The following is an entry in ClinVar:

NM_001367561.1(DOCK7):c.2359C>T (p.Arg787Ter)

Gene: DOCK7 (dedicator of cytokinesis 7; minus strand). Cytogenetic location: 1p31.3.
Variant type: single nucleotide variant.
Coding change: c.2359C>T on transcript NM_001367561.1 (MANE Select); coding-DNA position 2359, C replaced by T.
Protein change: p.Arg787Ter; replaces arginine 787 with a stop codon.
Molecular consequence: nonsense.
Genome position (GRCh38, 1-based): chr1:62,559,061, G>A on the plus strand (C>T on the coding strand, the complement: DOCK7 is on the minus strand). VCF-style: chr1-62559061-G-A. GRCh37 (hg19) VCF-style: chr1-63024732-G-A.
Other names: c.2359C>T, p.Arg787Ter (NM_001271999.2, NM_001272000.2, NM_001272001.2 and 2 more transcripts); short protein forms R787*.
Identifiers: ClinVar variation 2829943 (VCV002829943.3), dbSNP rs1646236200, ClinGen allele CA340626295.

ClinVar aggregate classification (germline): Pathogenic (1 of 4 stars; one submission).

Conditions:
Developmental and epileptic encephalopathy, 23 (DEE23). Also called: Epileptic encephalopathy, early infantile, 23. Identifiers: Orphanet 411986, MedGen C4014492, MONDO:0014371, OMIM 615859.

Allele frequency attached by ClinVar (database versions not stated): gnomAD exomes below 0.00001; gnomAD 0.00001; TOPMed 0.00001.
gnomAD v4.1: 7 of 1,613,442 alleles (0.00043%); highest among the groups gnomAD compares: African/African-American, 0.0013%; no homozygotes.

Submission:

Labcorp Genetics (formerly Invitae), Labcorp
Classification: Pathogenic for Developmental and epileptic encephalopathy, 23. Last evaluated: 2023-01-18. Review status: criteria provided, single submitter. Criteria: Invitae Variant Classification Sherloc (09022015). Collection method: clinical testing. Allele origin: germline.
Comment: For these reasons, this variant has been classified as Pathogenic. This variant has not been reported in the literature in individuals affected with DOCK7-related conditions. This variant is not present in population databases (gnomAD no frequency). This sequence change creates a premature translational stop signal (p.Arg787*) in the DOCK7 gene. It is expected to result in an absent or disrupted protein product. Loss-of-function variants in DOCK7 are known to be pathogenic (PMID: 24814191).

Literature cited by the submitters: PubMed 24814191.